The following is an entry in ClinVar:

NM_001853.4(COL9A3):c.1107+2T>G

Gene: COL9A3 (collagen type IX alpha 3 chain; plus strand). Cytogenetic location: 20q13.33.
Variant type: single nucleotide variant.
Coding change: c.1107+2T>G on transcript NM_001853.4 (MANE Select); the canonical splice donor site of the intron after coding-DNA position 1107, T replaced by G.
Molecular consequence: splice donor variant.
Genome position (GRCh38, 1-based): chr20:62,829,683, T>G. VCF-style: chr20-62829683-T-G. GRCh37 (hg19) VCF-style: chr20-61461035-T-G.
Identifiers: ClinVar variation 4778815 (VCV004778815.1).

ClinVar aggregate classification (germline): Uncertain significance (1 of 4 stars; one submission).

Submission:

Labcorp Genetics (formerly Invitae), Labcorp
Classification: Uncertain significance. Last evaluated: 2025-09-18. Review status: criteria provided, single submitter. Criteria: Invitae Variant Classification Sherloc (09022015). Collection method: clinical testing. Allele origin: germline.
Comment: This sequence change affects a donor splice site in intron 21 of the COL9A3 gene. Variants that disrupt the donor or acceptor splice site typically lead to a loss of protein function (PMID:16199547), however it is unknown whether splice variants in this region will result in a loss of function. This variant is not present in population databases (gnomAD no frequency). This variant has not been reported in the literature in individuals affected with COL9A3-related conditions. Algorithms developed to predict the effect of sequence changes on RNA splicing suggest that this variant may disrupt the consensus splice site. In summary, the available evidence is currently insufficient to determine the role of this variant in disease. Therefore, it has been classified as a Variant of Uncertain Significance.

Literature cited by the submitters: PubMed 16199547.